The following is an entry in ClinVar:

ClinVar aggregate classification (germline): Conflicting classifications of pathogenicity. Review status: criteria provided, conflicting classifications (1 of 4 stars). 4 submissions from 4 submitters: Uncertain significance (3); Benign (1). Last evaluated 2026-04-10.

Conditions:
Tuberous sclerosis 2 (TSC2). Identifiers: Orphanet 805, MedGen C1860707, MONDO:0013199, OMIM 613254.
Hereditary cancer-predisposing syndrome. Also called: Tumor predisposition; Hereditary Cancer Syndrome; Neoplastic Syndromes, Hereditary; Hereditary neoplastic syndrome. Identifiers: Orphanet 140162, MedGen C0027672, MeSH D009386, MONDO:0015356.

Allele frequency attached by ClinVar (database versions not stated): gnomAD exomes below 0.00001.
gnomAD v4.1: 1 of 1,612,744 alleles (0.000062%); highest among the groups gnomAD compares: Non-Finnish European, 0.000085%; no homozygotes.

Submissions (4):

Ambry Genetics
Classification: Uncertain significance for Hereditary cancer-predisposing syndrome. Last evaluated: 2026-04-10. Review status: criteria provided, single submitter. Criteria: Ambry Variant Classification Scheme 2023. Collection method: clinical testing. Allele origin: germline.
Comment: The p.R1570K variant (also known as c.4709G>A), located in coding exon 36 of the TSC2 gene, results from a G to A substitution at nucleotide position 4709. The arginine at codon 1570 is replaced by lysine, an amino acid with highly similar properties. This variant was detected as heterozygous in individual(s) with no reported features of tuberous sclerosis complex (Ambry internal data). This amino acid position is highly conserved in available vertebrate species. In addition, this alteration is predicted to be deleterious by in silico analysis. Based on the available evidence, the clinical significance of this variant remains unclear.

Labcorp Genetics (formerly Invitae), Labcorp
Classification: Benign for Tuberous sclerosis 2. Last evaluated: 2025-09-20. Review status: criteria provided, single submitter. Criteria: Invitae Variant Classification Sherloc (09022015). Collection method: clinical testing. Allele origin: germline.

Genome-Nilou Lab
Classification: Uncertain significance for Tuberous sclerosis 2. Last evaluated: 2021-11-07. Review status: criteria provided, single submitter. Criteria: ACMG Guidelines, 2015. Collection method: clinical testing. Allele origin: germline. Affected: no.

GeneDx
Classification: Uncertain significance. Last evaluated: 2021-04-12. Review status: criteria provided, single submitter. Criteria: GeneDx Variant Classification Process June 2021. Collection method: clinical testing. Allele origin: germline. Affected: yes.
Comment: Not observed in large population cohorts (Lek et al., 2016); In silico analysis supports that this missense variant has a deleterious effect on protein structure/function; Has not been previously published as pathogenic or benign to our knowledge

NM_000548.5(TSC2):c.4709G>A (p.Arg1570Lys)

Gene: TSC2 (TSC complex subunit 2; plus strand). Cytogenetic location: 16p13.3.
Variant type: single nucleotide variant.
Coding change: c.4709G>A on transcript NM_000548.5 (MANE Select); coding-DNA position 4709, G replaced by A.
Protein change: p.Arg1570Lys; replaces arginine 1570 with lysine.
Molecular consequence: missense variant.
Genome position (GRCh38, 1-based): chr16:2,086,239, G>A. VCF-style: chr16-2086239-G-A. GRCh37 (hg19) VCF-style: chr16-2136240-G-A.
Other names: c.4508G>A, p.Arg1503Lys (NM_001077183.3); c.4640G>A, p.Arg1547Lys (NM_001114382.3); c.4400G>A, p.Arg1467Lys (NM_001318827.2); c.4364G>A, p.Arg1455Lys (NM_001318829.2); c.3977G>A, p.Arg1326Lys (NM_001318831.2); c.4541G>A, p.Arg1514Lys (NM_001318832.2); c.4511G>A, p.Arg1504Lys (NM_001363528.2); c.4577G>A, p.Arg1526Lys (NM_001370404.1); and 1 more; short protein forms R1455K, R1503K, R1504K, R1526K, R1527K, R1570K, R1326K, R1467K.
Identifiers: ClinVar variation 664159 (VCV000664159.16), dbSNP rs397514980, ClinGen allele CA276756224.